The following is an entry in ClinVar:

ClinVar aggregate classification (germline): Pathogenic (1 of 4 stars; one submission).

Conditions:
Hereditary cancer-predisposing syndrome. Also called: Tumor predisposition; Neoplastic Syndromes, Hereditary; Hereditary Cancer Syndrome; Hereditary neoplastic syndrome. Identifiers: Orphanet 140162, MedGen C0027672, MeSH D009386, MONDO:0015356.

Submission:

Ambry Genetics
Classification: Pathogenic for Hereditary cancer-predisposing syndrome. Last evaluated: 2019-01-21. Review status: criteria provided, single submitter. Criteria: Ambry Variant Classification Scheme 2023. Collection method: clinical testing. Allele origin: germline.
Comment: The p.R2582* pathogenic mutation (also known as c.7744A>T), located in coding exon 51 of the ATM gene, results from an A to T substitution at nucleotide position 7744. This changes the amino acid from an arginine to a stop codon within coding exon 51. This alteration is expected to result in loss of function by premature protein truncation or nonsense-mediated mRNA decay. As such, this alteration is interpreted as a disease-causing mutation.

NM_000051.4(ATM):c.7744A>T (p.Arg2582Ter)

Genes: ATM (ATM serine/threonine kinase; plus strand), C11orf65 (chromosome 11 open reading frame 65; minus strand). Cytogenetic location: 11q22.3.
Variant type: single nucleotide variant.
Coding change: c.7744A>T on transcript NM_000051.4 (MANE Select); coding-DNA position 7744, A replaced by T.
Protein change: p.Arg2582Ter; replaces arginine 2582 with a stop codon.
Molecular consequence: nonsense. On other transcripts: intron variant (2).
Genome position (GRCh38, 1-based): chr11:108,331,993, A>T. VCF-style: chr11-108331993-A-T. GRCh37 (hg19) VCF-style: chr11-108202720-A-T.
Other names: c.7744A>T, p.Arg2582Ter (NM_001351834.2); c.641-22922T>A (NM_001330368.2); c.*38+3227T>A (NM_001351110.2); short protein forms R2582*.
Identifiers: ClinVar variation 827235 (VCV000827235.6), dbSNP rs750224234, ClinGen allele CA382561130.